The following is an entry in ClinVar:

NM_032340.4(UQCC2):c.102G>A (p.Arg34=)

Gene: UQCC2 (ubiquinol-cytochrome c reductase complex assembly factor 2; minus strand). Cytogenetic location: 6p21.31.
Variant type: single nucleotide variant.
Coding change: c.102G>A on transcript NM_032340.4 (MANE Select); coding-DNA position 102, G replaced by A.
Protein change: p.Arg34=; no amino-acid change (arginine 34 retained).
Molecular consequence: synonymous variant.
Genome position (GRCh38, 1-based): chr6:33,711,585, C>T on the plus strand (G>A on the coding strand, the complement: UQCC2 is on the minus strand). VCF-style: chr6-33711585-C-T. GRCh37 (hg19) VCF-style: chr6-33679362-C-T.
Identifiers: ClinVar variation 2502801 (VCV002502801.4), dbSNP rs756874468, ClinGen allele CA3762545.

ClinVar aggregate classification (germline): Conflicting classifications of pathogenicity. Review status: criteria provided, conflicting classifications (1 of 4 stars). 2 submissions from 2 submitters: Uncertain significance (1); Likely benign (1). Last evaluated 2025-10-20.

Allele frequency attached by ClinVar (database versions not stated): gnomAD 0.00002; TOPMed 0.00004; ExAC 0.00003.
gnomAD v4.1: 45 of 1,613,832 alleles (0.0028%); highest among the groups gnomAD compares: Middle Eastern, 0.033%; 1 homozygote.

Submissions (2):

Labcorp Genetics (formerly Invitae), Labcorp
Classification: Likely benign. Last evaluated: 2025-10-20. Review status: criteria provided, single submitter. Criteria: Invitae Variant Classification Sherloc (09022015). Collection method: clinical testing. Allele origin: germline.

GeneDx
Classification: Uncertain significance. Last evaluated: 2022-11-21. Review status: criteria provided, single submitter. Criteria: GeneDx Variant Classification Process June 2021. Collection method: clinical testing. Allele origin: germline. Affected: yes.
Comment: Not observed at significant frequency in large population cohorts (gnomAD); Has not been previously published as pathogenic or benign to our knowledge; In silico analysis is inconclusive as to whether the variant alters gene splicing. In the absence of RNA/functional studies, the actual effect of this sequence change is unknown.